The following is an entry in ClinVar:

ClinVar aggregate classification (germline): Uncertain significance (1 of 4 stars; one submission).

Submission:

Labcorp Genetics (formerly Invitae), Labcorp
Classification: Uncertain significance. Last evaluated: 2024-08-29. Review status: criteria provided, single submitter. Criteria: Invitae Variant Classification Sherloc (09022015). Collection method: clinical testing. Allele origin: germline.
Comment: This sequence change replaces arginine, which is basic and polar, with glutamine, which is neutral and polar, at codon 1196 of the PTPN23 protein (p.Arg1196Gln). This variant is not present in population databases (gnomAD no frequency). This variant has not been reported in the literature in individuals affected with PTPN23-related conditions. ClinVar contains an entry for this variant (Variation ID: 1348459). An algorithm developed to predict the effect of missense changes on protein structure and function (PolyPhen-2) suggests that this variant is likely to be disruptive. In summary, the available evidence is currently insufficient to determine the role of this variant in disease. Therefore, it has been classified as a Variant of Uncertain Significance.

NM_015466.4(PTPN23):c.3587G>A (p.Arg1196Gln)

Gene: PTPN23 (protein tyrosine phosphatase non-receptor type 23; plus strand). Cytogenetic location: 3p21.31.
Variant type: single nucleotide variant.
Coding change: c.3587G>A on transcript NM_015466.4 (MANE Select); coding-DNA position 3587, G replaced by A.
Protein change: p.Arg1196Gln; replaces arginine 1196 with glutamine.
Molecular consequence: missense variant.
Genome position (GRCh38, 1-based): chr3:47,411,385, G>A. VCF-style: chr3-47411385-G-A. GRCh37 (hg19) VCF-style: chr3-47452875-G-A.
Other names: c.3209G>A, p.Arg1070Gln (NM_001304482.2); short protein forms R1070Q, R1196Q.
Identifiers: ClinVar variation 1348459 (VCV001348459.6), dbSNP rs899483891, ClinGen allele CA73882415.